The following is an entry in ClinVar:

ClinVar aggregate classification (germline): Pathogenic (1 of 4 stars; one submission).

Conditions:
Early-infantile DEE. Also called: Early infantile epileptic encephalopathy; Early infantile epileptic encephalopathy with suppression bursts; Ohtahara syndrome. Identifiers: Orphanet 1934, MedGen C0393706, MONDO:0800491.

Submission:

Labcorp Genetics (formerly Invitae), Labcorp
Classification: Pathogenic for Early-infantile DEE. Last evaluated: 2022-11-19. Review status: criteria provided, single submitter. Criteria: Invitae Variant Classification Sherloc (09022015). Collection method: clinical testing. Allele origin: germline.
Comment: For these reasons, this variant has been classified as Pathogenic. This sequence change results in a frameshift in the KCNQ2 gene (p.Arg871Glyfs*59). While this is not anticipated to result in nonsense mediated decay, it is expected to disrupt the last 2 amino acid(s) of the KCNQ2 protein and extend the protein by 56 additional amino acid residues. This variant is not present in population databases (gnomAD no frequency). This variant has not been reported in the literature in individuals affected with KCNQ2-related conditions. This variant results in an extension of the KCNQ2 protein. Other variant(s) that result in a similarly extended protein product (p.Arg871Glyfs*61) have been determined to be pathogenic (PMID: 14534157, 24375629). This suggests that these extensions are likely to be disease-causing.

Literature cited by the submitters: PubMed 14534157; PubMed 24375629.

NM_172107.4(KCNQ2):c.2607del (p.Arg871fs)

Gene: KCNQ2 (potassium voltage-gated channel subfamily Q member 2; minus strand). Cytogenetic location: 20q13.33.
Variant type: Deletion.
Coding change: c.2607del on transcript NM_172107.4 (MANE Select); coding-DNA position 2607, one base deleted (G; older notation c.2607delG).
Protein change: p.Arg871fs; shifts the reading frame from arginine 871.
Molecular consequence: frameshift variant.
Genome position (GRCh38, 1-based): chr20:63,406,656, C deleted on the plus strand (G on the coding strand, the reverse complement: KCNQ2 is on the minus strand); the first of 3 consecutive C bases (chr20:63,406,656-63,406,658); deleting any one gives the same sequence. VCF-style (leftmost placement, unchanged base first): chr20-63406655-GC-G. GRCh37 (hg19) VCF-style: chr20-62038008-GC-G.
Other names: c.2661del, p.Arg889fs (NM_001382235.1); c.2523del, p.Arg843fs (NM_004518.6); c.2553del, p.Arg853fs (NM_172106.3); c.2514del, p.Arg840fs (NM_172108.5); short protein forms R843fs, R871fs, R889fs, R840fs, R853fs.
Identifiers: ClinVar variation 2815256 (VCV002815256.3), dbSNP rs2516089906, ClinGen allele CA2739277251.